The following is an entry in ClinVar:

NM_025114.4(CEP290):c.3310-21dup

Gene: CEP290 (centrosomal protein 290; minus strand). Cytogenetic location: 12q21.32.
Variant type: Duplication.
Coding change: c.3310-21dup on transcript NM_025114.4 (MANE Select); 21 bases into the intron before coding-DNA position 3310, one base duplicated (T; older notation c.3310-21dupT).
Molecular consequence: intron variant.
Genome position (GRCh38, 1-based): chr12:88,092,848, A duplicated on the plus strand (T on the coding strand, the reverse complement: CEP290 is on the minus strand); the first of 6 consecutive A bases (chr12:88,092,848-88,092,853); duplicating any one gives the same sequence. VCF-style (leftmost placement, unchanged base first): chr12-88092847-C-CA. GRCh37 (hg19) VCF-style: chr12-88486624-C-CA.
Other names: c.3310-16dupT (NM_025114.3).
Identifiers: ClinVar variation 516051 (VCV000516051.1), dbSNP rs1555211687, ClinGen allele CA655239503.

ClinVar aggregate classification (germline): Likely benign (1 of 4 stars; one submission).

Submission:

GeneDx
Classification: Likely benign. Last evaluated: 2018-03-13. Review status: criteria provided, single submitter. Criteria: GeneDx Variant Classification (06012015). Collection method: clinical testing. Allele origin: germline. Affected: yes.
Comment: This variant is considered likely benign or benign based on one or more of the following criteria: it is a conservative change, it occurs at a poorly conserved position in the protein, it is predicted to be benign by multiple in silico algorithms, and/or has population frequency not consistent with disease.